The following is an entry in ClinVar:

NM_001012720.2(RGR):c.250_257dup (p.Asp86fs)

Gene: RGR (retinal G protein coupled receptor; plus strand). Cytogenetic location: 10q23.1.
Variant type: Duplication.
Coding change: c.250_257dup on transcript NM_001012720.2 (MANE Select); coding-DNA positions 250 to 257, 8 bases duplicated (GGCTCGGA; older notation c.250_257dupGGCTCGGA).
Protein change: p.Asp86fs; shifts the reading frame from aspartic acid 86.
Molecular consequence: frameshift variant.
Genome position (GRCh38, 1-based): chr10:84,248,935-84,248,942, GGCTCGGA duplicated. VCF-style (leftmost placement, unchanged base first): chr10-84248934-C-CGGCTCGGA. GRCh37 (hg19) VCF-style: chr10-86008690-C-CGGCTCGGA.
Other names: c.250_257dup, p.Asp86fs (NM_001012722.2); c.262_269dup, p.Asp90fs (NM_002921.4); short protein forms D86fs, D90fs.
Identifiers: ClinVar variation 967356 (VCV000967356.7), dbSNP rs1564548704, ClinGen allele CA594739852.

ClinVar aggregate classification (germline): Uncertain significance (1 of 4 stars; one submission).

Allele frequency attached by ClinVar (database versions not stated): gnomAD exomes below 0.00001; TOPMed below 0.00001; gnomAD 0.00001.

Submission:

Labcorp Genetics (formerly Invitae), Labcorp
Classification: Uncertain significance. Last evaluated: 2023-08-27. Review status: criteria provided, single submitter. Criteria: Invitae Variant Classification Sherloc (09022015). Collection method: clinical testing. Allele origin: germline.
Comment: In summary, the available evidence is currently insufficient to determine the role of this variant in disease. Therefore, it has been classified as a Variant of Uncertain Significance. ClinVar contains an entry for this variant (Variation ID: 967356). This variant has not been reported in the literature in individuals affected with RGR-related conditions. This variant is present in population databases (no rsID available, gnomAD 0.003%). This sequence change creates a premature translational stop signal (p.Asp86Glufs*15) in the RGR gene. It is expected to result in an absent or disrupted protein product. However, the current clinical and genetic evidence is not sufficient to establish whether loss-of-function variants in RGR cause disease.